The following is an entry in ClinVar:

NC_000023.10:g.(?_22129565)_(22132724_?)del

Gene: PHEX (phosphate regulating endopeptidase X-linked; plus strand). Cytogenetic location: Xp22.11.
Variant type: Deletion.
Identifiers: ClinVar variation 1452437 (VCV001452437.7).

ClinVar aggregate classification (germline): Pathogenic (1 of 4 stars; one submission).

Submission:

Labcorp Genetics (formerly Invitae), Labcorp
Classification: Pathogenic. Last evaluated: 2023-04-07. Review status: criteria provided, single submitter. Criteria: Invitae Variant Classification Sherloc (09022015). Collection method: clinical testing. Allele origin: germline.
Comment: For these reasons, this variant has been classified as Pathogenic. A similar copy number variant has been observed in individual(s) with hypophosphatemia (PMID: 9199930). This variant is a gross deletion of the genomic region encompassing exon(s) 10-11 of the PHEX gene. This deletion is out-of-frame, and is expected to create a premature termination codon and result in an absent or disrupted protein product. Loss-of-function variants in PHEX are known to be pathogenic (PMID: 9097956, 9106524, 19219621).

Literature cited by the submitters: PubMed 9199930; PubMed 9097956; PubMed 9106524; PubMed 19219621.